The following is an entry in ClinVar:

NM_020191.4(MRPS22):c.327A>G (p.Ala109=)

Gene: MRPS22 (mitochondrial ribosomal protein S22; plus strand). Cytogenetic location: 3q23.
Variant type: single nucleotide variant.
Coding change: c.327A>G on transcript NM_020191.4 (MANE Select); coding-DNA position 327, A replaced by G.
Protein change: p.Ala109=; no amino-acid change (alanine 109 retained).
Molecular consequence: synonymous variant.
Genome position (GRCh38, 1-based): chr3:139,347,032, A>G. VCF-style: chr3-139347032-A-G. GRCh37 (hg19) VCF-style: chr3-139065874-A-G.
Other names: c.204A>G, p.Ala68= (NM_001363857.1); c.324A>G, p.Ala108= (NM_001363893.1).
Identifiers: ClinVar variation 343485 (VCV000343485.16), dbSNP rs138148950, ClinGen allele CA2640681.

ClinVar aggregate classification (germline): Conflicting classifications of pathogenicity. Review status: criteria provided, conflicting classifications (1 of 4 stars). 3 submissions from 3 submitters: Uncertain significance (1); Benign (1). 1 of the submissions does not count toward it. Last evaluated 2025-05-22.

Conditions:
Hypotonia with lactic acidemia and hyperammonemia. Identifiers: Orphanet 137908, MedGen C2673642, MONDO:0012718, OMIM 611719.
MRPS22-related disorder. Also called: MRPS22-related condition.

Allele frequency attached by ClinVar (database versions not stated): gnomAD exomes 0.00022; ExAC 0.00029; gnomAD 0.00067 and 0.00071; TOPMed 0.00070; ESP Exome Variant Server 0.00077.

Submissions (3):

Labcorp Genetics (formerly Invitae), Labcorp
Classification: Benign. Last evaluated: 2025-05-22. Review status: criteria provided, single submitter. Criteria: Invitae Variant Classification Sherloc (09022015). Collection method: clinical testing. Allele origin: germline.

Illumina Laboratory Services, Illumina
Classification: Uncertain significance for Hypotonia with lactic acidemia and hyperammonemia. Last evaluated: 2018-01-12. Review status: criteria provided, single submitter. Criteria: ICSL Variant Classification Criteria 13 December 2019. Collection method: clinical testing. Allele origin: germline.

PreventionGenetics, part of Exact Sciences
Classification: Likely benign for MRPS22-related condition. Last evaluated: 2019-03-21. Review status: no assertion criteria provided. Collection method: clinical testing. Allele origin: germline. Not counted in ClinVar's aggregate classification.
Comment: This variant is classified as likely benign based on ACMG/AMP sequence variant interpretation guidelines (Richards et al. 2015 PMID: 25741868, with internal and published modifications).